The following is an entry in ClinVar:

ClinVar aggregate classification (germline): Uncertain significance. Review status: criteria provided, multiple submitters, no conflicts (2 of 4 stars). 4 submissions from 4 submitters: Uncertain significance (4). Last evaluated 2024-11-20.

Conditions:
Inborn genetic diseases. Identifiers: MedGen C0950123, MeSH D030342.

Allele frequency attached by ClinVar (database versions not stated): gnomAD exomes 0.00003; gnomAD 0.00007 and 0.00008; ExAC 0.00002; TOPMed 0.00003.
gnomAD v4.1: 57 of 1,613,712 alleles (0.0035%); highest among the groups gnomAD compares: African/African-American, 0.012%; no homozygotes.

Submissions (4):

Mayo Clinic Laboratories, Mayo Clinic
Classification: Uncertain significance. Last evaluated: 2024-11-20. Review status: criteria provided, single submitter. Criteria: ACMG Guidelines, 2015. Collection method: clinical testing. Allele origin: germline. Observed: 2 variant alleles.
Comment: BP4

Ambry Genetics
Classification: Uncertain significance for Inborn genetic diseases. Last evaluated: 2024-03-21. Review status: criteria provided, single submitter. Criteria: Ambry Variant Classification Scheme 2023. Collection method: clinical testing. Allele origin: germline.

Labcorp Genetics (formerly Invitae), Labcorp
Classification: Uncertain significance. Last evaluated: 2022-07-30. Review status: criteria provided, single submitter. Criteria: Invitae Variant Classification Sherloc (09022015). Collection method: clinical testing. Allele origin: germline.
Comment: This sequence change replaces aspartic acid, which is acidic and polar, with asparagine, which is neutral and polar, at codon 173 of the SCO2 protein (p.Asp173Asn). This variant is present in population databases (rs773221448, gnomAD 0.01%). This variant has not been reported in the literature in individuals affected with SCO2-related conditions. ClinVar contains an entry for this variant (Variation ID: 215133). Algorithms developed to predict the effect of missense changes on protein structure and function output the following: SIFT: "Tolerated"; PolyPhen-2: "Benign"; Align-GVGD: "Class C0". The asparagine amino acid residue is found in multiple mammalian species, which suggests that this missense change does not adversely affect protein function. In summary, the available evidence is currently insufficient to determine the role of this variant in disease. Therefore, it has been classified as a Variant of Uncertain Significance.

GeneDx
Classification: Uncertain significance. Last evaluated: 2014-12-10. Review status: criteria provided, single submitter. Criteria: GeneDx Variant Classification (06012015). Collection method: clinical testing. Allele origin: germline. Affected: yes.
Comment: p.Asp173Asn (GAC>AAC): c.517 G>A in exon 2 of the SCO2 gene (NM_005138.2) The D173N variant has not been published as a mutation, nor has it been reported as a benign polymorphism to our knowledge. The D173N variant is a conservative amino acid substitution, which is not likely to impact secondary protein structure as these residues share similar properties. This substitution occurs at a position that is moderately conserved across species. In silico analysis is inconsistent in its predictions as to whether or not the variant is damaging to the protein structure/function. Missense mutations in nearby residues (R171W, M177T) have been reported in association with cytochrome c-oxidase deficiency, supporting the functional importance of this region of the protein. Therefore, based on the currently available information, it is unclear whether this variant is a pathogenic mutation or a rare benign variant. The variant is found in MITONUC-MITOP panel(s).

NM_005138.3(SCO2):c.517G>A (p.Asp173Asn)

Genes: NCAPH2 (non-SMC condensin II complex subunit H2; plus strand), SCO2 (synthesis of cytochrome C oxidase 2; minus strand). Cytogenetic location: 22q13.33.
Variant type: single nucleotide variant.
Coding change: c.517G>A on transcript NM_005138.3 (MANE Select); coding-DNA position 517, G replaced by A.
Protein change: p.Asp173Asn; replaces aspartic acid 173 with asparagine.
Molecular consequence: missense variant. On other transcripts: 3 prime UTR variant (2).
Genome position (GRCh38, 1-based): chr22:50,523,895, C>T on the plus strand (G>A on the coding strand, the complement: SCO2 is on the minus strand). VCF-style: chr22-50523895-C-T. GRCh37 (hg19) VCF-style: chr22-50962324-C-T.
Other names: c.*520C>T (NM_001185011.2, NM_152299.4); c.517G>A, p.Asp173Asn (NM_001169109.2, NM_001169110.1, NM_001169111.2); short protein forms D173N.
Identifiers: ClinVar variation 215133 (VCV000215133.11), dbSNP rs773221448, ClinGen allele CA324222.